The following is an entry in ClinVar:

NM_002180.3(IGHMBP2):c.2852A>C (p.Tyr951Ser)

Gene: IGHMBP2 (immunoglobulin mu DNA binding protein 2; plus strand). Cytogenetic location: 11q13.3.
Variant type: single nucleotide variant.
Coding change: c.2852A>C on transcript NM_002180.3 (MANE Select); coding-DNA position 2852, A replaced by C.
Protein change: p.Tyr951Ser; replaces tyrosine 951 with serine.
Molecular consequence: missense variant.
Genome position (GRCh38, 1-based): chr11:68,939,601, A>C. VCF-style: chr11-68939601-A-C. GRCh37 (hg19) VCF-style: chr11-68707069-A-C.
Other names: p.Tyr951Ser; short protein forms Y951S.
Identifiers: ClinVar variation 957597 (VCV000957597.15), dbSNP rs541833561, ClinGen allele CA6154039.

ClinVar aggregate classification (germline): Uncertain significance. Review status: criteria provided, multiple submitters, no conflicts (2 of 4 stars). 4 submissions from 4 submitters: Uncertain significance (4). Last evaluated 2022-07-19.

Conditions:
Inborn genetic diseases. Identifiers: MedGen C0950123, MeSH D030342.
Charcot-Marie-Tooth disease axonal type 2S. Also called: CHARCOT-MARIE-TOOTH NEUROPATHY, TYPE 2S; CHARCOT-MARIE-TOOTH DISEASE, AXONAL, AUTOSOMAL RECESSIVE, TYPE 2S. Identifiers: Orphanet 443073, MedGen C4015349, MONDO:0014511, OMIM 616155.
Autosomal recessive distal spinal muscular atrophy 1. Also called: SEVERE INFANTILE AXONAL NEUROPATHY WITH RESPIRATORY FAILURE; SPINAL MUSCULAR ATROPHY, DIAPHRAGMATIC; Spinal muscular atrophy with respiratory distress 1; HMN VI; NEURONOPATHY, SEVERE INFANTILE AXONAL, WITH RESPIRATORY FAILURE; NEURONOPATHY, DISTAL HEREDITARY MOTOR, HARDING TYPE VI. Identifiers: Orphanet 98920, MedGen C1858517, MONDO:0011436, OMIM 604320.

Allele frequency attached by ClinVar (database versions not stated): gnomAD 0.00005; TOPMed 0.00005; 1000 Genomes Project 30x 0.00016; 1000 Genomes Project 0.00020.
gnomAD v4.1: 16 of 1,613,410 alleles (0.00099%); highest among the groups gnomAD compares: African/African-American, 0.02%; no homozygotes.

Submissions (4):

Labcorp Genetics (formerly Invitae), Labcorp
Classification: Uncertain significance for Autosomal recessive distal spinal muscular atrophy 1; Charcot-Marie-Tooth disease axonal type 2S. Last evaluated: 2022-07-19. Review status: criteria provided, single submitter. Criteria: Invitae Variant Classification Sherloc (09022015). Collection method: clinical testing. Allele origin: germline.
Comment: This sequence change replaces tyrosine, which is neutral and polar, with serine, which is neutral and polar, at codon 951 of the IGHMBP2 protein (p.Tyr951Ser). This variant is present in population databases (rs541833561, gnomAD 0.02%). This variant has not been reported in the literature in individuals affected with IGHMBP2-related conditions. ClinVar contains an entry for this variant (Variation ID: 957597). Advanced modeling of protein sequence and biophysical properties (such as structural, functional, and spatial information, amino acid conservation, physicochemical variation, residue mobility, and thermodynamic stability) performed at Invitae indicates that this missense variant is not expected to disrupt IGHMBP2 protein function. In summary, the available evidence is currently insufficient to determine the role of this variant in disease. Therefore, it has been classified as a Variant of Uncertain Significance.

Ambry Genetics
Classification: Uncertain significance for Inborn genetic diseases. Last evaluated: 2022-04-26. Review status: criteria provided, single submitter. Criteria: Ambry Variant Classification Scheme 2023. Collection method: clinical testing. Allele origin: germline.
Comment: The p.Y951S variant (also known as c.2852A>C), located in coding exon 15 of the IGHMBP2 gene, results from an A to C substitution at nucleotide position 2852. The tyrosine at codon 951 is replaced by serine, an amino acid with dissimilar properties. This amino acid position is conserved. In addition, this alteration is predicted to be tolerated by in silico analysis. Since supporting evidence is limited at this time, the clinical significance of this alteration remains unclear.

Mayo Clinic Laboratories, Mayo Clinic
Classification: Uncertain significance. Last evaluated: 2021-08-30. Review status: criteria provided, single submitter. Criteria: ACMG Guidelines, 2015. Collection method: clinical testing. Allele origin: germline.

Revvity Omics, Revvity
Classification: Uncertain significance. Last evaluated: 2019-04-23. Review status: criteria provided, single submitter. Criteria: ACMG Guidelines, 2015. Collection method: clinical testing. Allele origin: germline.